The following is an entry in ClinVar:

ClinVar aggregate classification (germline): Conflicting classifications of pathogenicity. Review status: criteria provided, conflicting classifications (1 of 4 stars). 7 submissions from 6 submitters: Uncertain significance (3); Benign (4). Last evaluated 2025-11-17.

Conditions:
Developmental and epileptic encephalopathy 98. Identifiers: MedGen C5562017, MONDO:0030472, OMIM 619605.
Inborn genetic diseases. Identifiers: MedGen C0950123, MeSH D030342.
Familial hemiplegic migraine. Identifiers: MedGen C0338484, MONDO:0000700.
Migraine, familial hemiplegic, 2. Identifiers: Orphanet 569, MedGen C1865322, MONDO:0011232, OMIM 602481.
Alternating hemiplegia of childhood 1 (AHC1). Identifiers: Orphanet 2131, MedGen C3549447, MONDO:0007087, OMIM 104290.

Allele frequency attached by ClinVar (database versions not stated): gnomAD 0.00019; TOPMed 0.00020; 1000 Genomes Project 30x 0.00078; 1000 Genomes Project 0.00100.
gnomAD v4.1: 365 of 1,614,116 alleles (0.023%); highest among the groups gnomAD compares: East Asian, 0.74%; 3 homozygotes.

Submissions (7):

Labcorp Genetics (formerly Invitae), Labcorp
Classification: Benign for Familial hemiplegic migraine. Last evaluated: 2025-11-17. Review status: criteria provided, single submitter. Criteria: Invitae Variant Classification Sherloc (09022015). Collection method: clinical testing. Allele origin: germline.

Department of Neurology, Xijing Hospital, Fourth Military Medical University
Classification: Uncertain significance for Developmental and epileptic encephalopathy 98. Last evaluated: 2022-03-01. Review status: criteria provided, single submitter. Criteria: ACMG Guidelines, 2015. Collection method: clinical testing. Allele origin: germline.

Ambry Genetics
Classification: Benign for Inborn genetic diseases. Last evaluated: 2019-04-05. Review status: criteria provided, single submitter. Criteria: Ambry Variant Classification Scheme 2023. Collection method: clinical testing. Allele origin: germline.

Illumina Laboratory Services, Illumina
Classification: Benign for Alternating hemiplegia of childhood 1. Last evaluated: 2018-01-13. Review status: criteria provided, single submitter. Criteria: ICSL Variant Classification Criteria 13 December 2019. Collection method: clinical testing. Allele origin: germline.
Comment: This variant was observed in the ICSL laboratory as part of a predisposition screen in an ostensibly healthy population. It had not been previously curated by ICSL or reported in the Human Gene Mutation Database (HGMD: prior to June 1st, 2018), and was therefore a candidate for classification through an automated scoring system. Utilizing variant allele frequency, disease prevalence and penetrance estimates, and inheritance mode, an automated score was calculated to assess if this variant is too frequent to cause the disease. Based on the score and internal cut-off values, a variant classified as benign is not then subjected to further curation. The score for this variant resulted in a classification of benign for this disease.

Illumina Laboratory Services, Illumina
Classification: Benign for Migraine, familial hemiplegic, 2. Last evaluated: 2018-01-13. Review status: criteria provided, single submitter. Criteria: ICSL Variant Classification Criteria 13 December 2019. Collection method: clinical testing. Allele origin: germline.
Comment: the same text as in the submission from Illumina Laboratory Services, Illumina above.

GeneDx
Classification: Uncertain significance. Last evaluated: 2016-05-20. Review status: criteria provided, single submitter. Criteria: GeneDx Variant Classification (06012015). Collection method: clinical testing. Allele origin: germline. Affected: yes.
Comment: The R65L variant has not been published as a pathogenic variant, nor has it been reported as a benign variant to our knowledge. It was not observed in approximately 6,500 individuals of European and African American ancestry in the NHLBI Exome Sequencing Project. The 1000 Genomes Project reports R65L was observed in 4/1008 (0.4%) alleles from individuals of East Asian background. The R65L variant is a non-conservative amino acid substitution, which is likely to impact secondary protein structure as these residues differ in polarity, charge, size and/or other properties. This substitution occurs at a position that is conserved across species. However, in silico analysis is inconsistent in its predictions as to whether or not the variant is damaging to the protein structure/function. Therefore, based on the currently available information, it is unclear whether this variant is a pathogenic variant or a rare benign variant

Eurofins Ntd Llc (ga)
Classification: Uncertain significance. Last evaluated: 2015-04-08. Review status: criteria provided, single submitter. Criteria: EGL Classification Definitions 2015. Collection method: clinical testing. Allele origin: germline. Observed: 1 variant allele, 1 heterozygote.

Literature cited by the submitters: PubMed 17877748 (cited by Ambry Genetics).

NM_000702.4(ATP1A2):c.194G>T (p.Arg65Leu)

Gene: ATP1A2 (ATPase Na+/K+ transporting subunit alpha 2; plus strand). Cytogenetic location: 1q23.2.
Variant type: single nucleotide variant.
Coding change: c.194G>T on transcript NM_000702.4 (MANE Select); coding-DNA position 194, G replaced by T.
Protein change: p.Arg65Leu; replaces arginine 65 with leucine.
Molecular consequence: missense variant.
Genome position (GRCh38, 1-based): chr1:160,123,229, G>T. VCF-style: chr1-160123229-G-T. GRCh37 (hg19) VCF-style: chr1-160093019-G-T.
Other names: p.R65L:CGG>CTG; short protein forms R65L.
Identifiers: ClinVar variation 197162 (VCV000197162.35), dbSNP rs187733403, ClinGen allele CA245145.
Genomic context (GRCh38, chr1:160,123,229, plus strand): 5'-TTGGCTCCGGATGCGTGCCCCTACGCCTCTCCTTGCTCCCTCAGGGCCTCACCAACCAGC[G>T]GGCTCAGGACGTTCTGGCTCGAGATGGGCCCAACGCCCTCACACCACCTCCCACAACCCC-3'
Protein context (NP_000693.1, residues 55-75): VDLSKGLTNQ[Arg65Leu]AQDVLARDGP